The following is an entry in ClinVar:

NM_004958.4(MTOR):c.1165C>T (p.Gln389Ter)

Gene: MTOR (mechanistic target of rapamycin kinase; minus strand). Cytogenetic location: 1p36.22.
Variant type: single nucleotide variant.
Coding change: c.1165C>T on transcript NM_004958.4 (MANE Select); coding-DNA position 1165, C replaced by T.
Protein change: p.Gln389Ter; replaces glutamine 389 with a stop codon.
Molecular consequence: nonsense. On other transcripts: intron variant (1).
Genome position (GRCh38, 1-based): chr1:11,247,685, G>A on the plus strand (C>T on the coding strand, the complement: MTOR is on the minus strand). VCF-style: chr1-11247685-G-A. GRCh37 (hg19) VCF-style: chr1-11307742-G-A.
Other names: c.1165C>T, p.Gln389Ter (NM_001386500.1); c.-24+134C>T (NM_001386501.1); short protein forms Q389*.
Identifiers: ClinVar variation 3376979 (VCV003376979.1).

ClinVar aggregate classification (germline): Uncertain significance (1 of 4 stars; one submission).

Conditions:
Neurodevelopmental disorder. Identifiers: MedGen C1535926, MeSH D065886, MONDO:0700092.

Submission:

Victorian Clinical Genetics Services, Murdoch Childrens Research Institute
Classification: Uncertain significance for Neurodevelopmental disorder. Last evaluated: 2024-10-08. Review status: criteria provided, single submitter. Criteria: ACMG Guidelines, 2015. Collection method: clinical testing. Allele origin: germline. Inheritance: Autosomal dominant inheritance.
Comment: Based on the classification scheme VCGS_Germline_v1.3.4, this variant is classified as VUS-3B. Following criteria are met: 0101 - Gain of function is a known mechanism of disease in this gene and is associated with Smith-Kingsmore syndrome (MIM#616638) and cortical dysplasia, type II, somatic (MIM#607341). (I) 0107 - This gene is associated with autosomal dominant disease. (I) 0114 - The established mechanism of disease for this gene is inconsistent with the identified variant type. While gain of function is a known mechanism of disease in this gene, there is currently not enough evidence to establish whether loss-of-function variants in MTOR cause disease. (SB) 0201 - Variant is predicted to cause nonsense-mediated decay (NMD) and loss of protein (premature termination codon is located at least 54 nucleotides upstream of the final exon-exon junction). (SP) 0251 - This variant is heterozygous. (I) 0301 - Variant is absent from gnomAD (both v2 and v3). (SP) 0708 - Other NMD-predicted variants comparable to the one identified in this case have conflicting previous evidence for pathogenicity. Many NMD-predicted variants have previously been reported as VUS; there are few NMD-predicted variants classified as likely pathogenic/pathogenic with insufficient information for that classification (DECIPHER). (I) 0807 - This variant has no previous evidence of pathogenicity. (I) 0905 - No published segregation evidence has been identified for this variant. (I) 1007 - No published functional evidence has been identified for this variant. (I) Legend: (SP) - Supporting pathogenic, (I) - Information, (SB) - Supporting benign